The following is an entry in ClinVar:

ClinVar aggregate classification (germline): Pathogenic (1 of 4 stars; one submission).

Conditions:
Joubert syndrome. Also called: CEREBELLOPARENCHYMAL DISORDER IV; JOUBERT-BOLTSHAUSER SYNDROME; Familial aplasia of the vermis. Identifiers: Orphanet 475, MedGen C5979921, MONDO:0018772.
Meckel-Gruber syndrome. Also called: DYSENCEPHALIA SPLANCHNOCYSTICA; GRUBER SYNDROME; Dysencephalia splachnocystica. Identifiers: Orphanet 564, MedGen C0265215, MONDO:0018921.

Submission:

Labcorp Genetics (formerly Invitae), Labcorp
Classification: Pathogenic for Joubert syndrome; Meckel-Gruber syndrome. Last evaluated: 2022-06-19. Review status: criteria provided, single submitter. Criteria: Invitae Variant Classification Sherloc (09022015). Collection method: clinical testing. Allele origin: germline.
Comment: For these reasons, this variant has been classified as Pathogenic. This variant disrupts the p.Ser776 amino acid residue in TMEM67. Other variant(s) that disrupt this residue have been determined to be pathogenic (PMID: 26123494). This suggests that this residue is clinically significant, and that variants that disrupt this residue are likely to be disease-causing. This sequence change replaces serine, which is neutral and polar, with alanine, which is neutral and non-polar, at codon 776 of the TMEM67 protein (p.Ser776Ala). This variant is not present in population databases (gnomAD no frequency). This missense change has been observed in individual(s) with clinical features of Joubert syndrome (Invitae). In at least one individual the data is consistent with being in trans (on the opposite chromosome) from a pathogenic variant. Advanced modeling of protein sequence and biophysical properties (such as structural, functional, and spatial information, amino acid conservation, physicochemical variation, residue mobility, and thermodynamic stability) performed at Invitae indicates that this missense variant is expected to disrupt TMEM67 protein function. Algorithms developed to predict the effect of sequence changes on RNA splicing suggest that this variant may disrupt the consensus splice site.

Literature cited by the submitters: PubMed 26123494.

NM_153704.6(TMEM67):c.2326T>G (p.Ser776Ala)

Gene: TMEM67 (transmembrane protein 67; plus strand). Cytogenetic location: 8q22.1.
Variant type: single nucleotide variant.
Coding change: c.2326T>G on transcript NM_153704.6 (MANE Select); coding-DNA position 2326, T replaced by G.
Protein change: p.Ser776Ala; replaces serine 776 with alanine.
Molecular consequence: missense variant. On other transcripts: non-coding transcript variant (1).
Genome position (GRCh38, 1-based): chr8:93,804,765, T>G. VCF-style: chr8-93804765-T-G. GRCh37 (hg19) VCF-style: chr8-94816993-T-G.
Other names: c.2083T>G, p.Ser695Ala (NM_001142301.1); short protein forms S776A, S695A.
Identifiers: ClinVar variation 2133880 (VCV002133880.4), dbSNP rs748937483, ClinGen allele CA371697878.